The following is an entry in ClinVar:

NM_006939.4(SOS2):c.1852+3A>G

Gene: SOS2 (SOS Ras/Rho guanine nucleotide exchange factor 2; minus strand). Cytogenetic location: 14q21.3.
Variant type: single nucleotide variant.
Coding change: c.1852+3A>G on transcript NM_006939.4 (MANE Select); 3 bases into the intron after coding-DNA position 1852, A replaced by G.
Molecular consequence: intron variant.
Genome position (GRCh38, 1-based): chr14:50,159,428, T>C on the plus strand (A>G on the coding strand, the complement: SOS2 is on the minus strand). VCF-style: chr14-50159428-T-C. GRCh37 (hg19) VCF-style: chr14-50626146-T-C.
Identifiers: ClinVar variation 1427322 (VCV001427322.6), dbSNP rs758436817, ClinGen allele CA7177239.

ClinVar aggregate classification (germline): Uncertain significance (1 of 4 stars; one submission).

Conditions:
Noonan syndrome 9 (NS9). Identifiers: Orphanet 648, MedGen C4225282, MONDO:0014691, OMIM 616559.

Allele frequency attached by ClinVar (database versions not stated): gnomAD exomes below 0.00001; ExAC 0.00001.

Submission:

Labcorp Genetics (formerly Invitae), Labcorp
Classification: Uncertain significance for Noonan syndrome 9. Last evaluated: 2026-01-16. Review status: criteria provided, single submitter. Criteria: Invitae Variant Classification Sherloc (09022015). Collection method: clinical testing. Allele origin: germline.
Comment: This sequence change falls in intron 10 of the SOS2 gene. It does not directly change the encoded amino acid sequence of the SOS2 protein. It affects a nucleotide within the consensus splice site. This variant is not present in population databases (gnomAD no frequency). This variant has not been reported in the literature in individuals affected with SOS2-related conditions. ClinVar contains an entry for this variant (Variation ID: 1427322). Variants that disrupt the consensus splice site are a relatively common cause of aberrant splicing (PMID: 17576681, 9536098). Algorithms developed to predict the effect of sequence changes on RNA splicing suggest that this variant may disrupt the consensus splice site. In summary, the available evidence is currently insufficient to determine the role of this variant in disease. Therefore, it has been classified as a Variant of Uncertain Significance.

Literature cited by the submitters: PubMed 17576681; PubMed 9536098.